The following is an entry in ClinVar:

NM_001267550.2(TTN):c.11512A>G (p.Thr3838Ala)

Gene: TTN (titin; minus strand). Cytogenetic location: 2q31.2.
Variant type: single nucleotide variant.
Coding change: c.11512A>G on transcript NM_001267550.2 (MANE Select); coding-DNA position 11512, A replaced by G.
Protein change: p.Thr3838Ala; replaces threonine 3838 with alanine.
Molecular consequence: missense variant. On other transcripts: intron variant (1).
Genome position (GRCh38, 1-based): chr2:178,741,721, T>C on the plus strand (A>G on the coding strand, the complement: TTN is on the minus strand). VCF-style: chr2-178741721-T-C. GRCh37 (hg19) VCF-style: chr2-179606448-T-C.
Other names: c.10561A>G, p.Thr3521Ala (NM_001256850.1); c.10423A>G, p.Thr3475Ala (NM_003319.4); c.10798A>G, p.Thr3600Ala (NM_133432.3); c.10999A>G, p.Thr3667Ala (NM_133437.4); c.10361-3361A>G (NM_133378.4); short protein forms T3475A, T3600A, T3521A, T3667A, T3838A.
Identifiers: ClinVar variation 1774414 (VCV001774414.2), dbSNP rs2530735081, ClinGen allele CA349621546.
Genomic context (GRCh38, chr2:178,741,721, plus strand): 5'-CTCCATTAAAGAACCACTGAATTTTAGGTTTGGGGATGCCAATGACAGTTACAGACAGTG[T>C]AGCCACATCCCCCATGCTTATATCAGCATTTGACACTTCTTTGATGAAAATTGGGCCAGT-3'
Protein context (NP_001254479.2, residues 3828-3848): NADISMGDVA[Thr3838Ala]LSVTVIGIPK

ClinVar aggregate classification (germline): Uncertain significance (1 of 4 stars; one submission).

Conditions:
Cardiovascular phenotype. Identifiers: MedGen CN230736.

Submission:

Ambry Genetics
Classification: Uncertain significance for Cardiovascular phenotype. Last evaluated: 2019-03-26. Review status: criteria provided, single submitter. Criteria: Ambry Variant Classification Scheme 2023. Collection method: clinical testing. Allele origin: germline.
Comment: The p.T3475A variant (also known as c.10423A>G), located in coding exon 44 of the TTN gene, results from an A to G substitution at nucleotide position 10423. The threonine at codon 3475 is replaced by alanine, an amino acid with similar properties. This amino acid position is poorly conserved in available vertebrate species. In addition, this alteration is predicted to be tolerated by in silico analysis. Since supporting evidence is limited at this time, the clinical significance of this alteration remains unclear.